The following is an entry in ClinVar:

NM_000342.4(SLC4A1):c.1786_1787insGCTCCCTCTCCCGTCTCCCGCTCACTCTCCCGTCTCCCGCTCCCTCTCCCGGCACCCTCGCCCGCACCCCGCACCCACGCCCTCGCCAGCCGCGCNNNNNNNNNNAAAAAAAAAAAAAAAAAAAAAAGAACAGCTCCT (p.Ser595_Tyr596insCysSerLeuSerArgLeuProLeuThrLeuProSerProAlaProSerProGlyThrLeuAlaArgThrProHisProArgProArgGlnProArgXaaXaaXaaXaaLysLysLysLysLysLysLysAsnSerSer)

Gene: SLC4A1 (solute carrier family 4 member 1 (Diego blood group); minus strand). Cytogenetic location: 17q21.31.
Variant type: Insertion.
Coding change: c.1786_1787insGCTCCCTCTCCCGTCTCCCGCTCACTCTCCCGTCTCCCGCTCCCTCTCCCGGCACCCTCGCCCGCACCCCGCACCCACGCCCTCGCCAGCCGCGCNNNNNNNNNNAAAAAAAAAAAAAAAAAAAAAAGAACAGCTCCT on transcript NM_000342.4 (MANE Select); coding-DNA positions 1786 to 1787, GCTCCCTCTCCCGTCTCCCGCTCACTCTCCCGTCTCCCGCTCCCTCTCCCGGCACCCTCGCCCGCACCCCGCACCCACGCCCTCGCCAGCCGCGCNNNNNNNNNNAAAAAAAAAAAAAAAAAAAAAAGAACAGCTCCT inserted.
Protein change: p.Ser595_Tyr596insCysSerLeuSerArgLeuProLeuThrLeuProSerProAlaProSerProGlyThrLeuAlaArgThrProHisProArgProArgGlnProArgXaaXaaXaaXaaLysLysLysLysLysLysLysAsnSerSer.
Molecular consequence: inframe insertion.
Genome position: GRCh38: chr17:44,255,699-44,255,700. GRCh37 (hg19): chr17:42,333,067-42,333,068.
Identifiers: ClinVar variation 2027697 (VCV002027697.4), dbSNP rs2509964063.

ClinVar aggregate classification (germline): Pathogenic (1 of 4 stars; one submission).

Submission:

Labcorp Genetics (formerly Invitae), Labcorp
Classification: Pathogenic. Last evaluated: 2023-12-11. Review status: criteria provided, single submitter. Criteria: Invitae Variant Classification Sherloc (09022015). Collection method: clinical testing. Allele origin: germline.
Comment: This sequence change inserts a large fragment of DNA, likely a transposable element, in exon 14 of the SLC4A1 gene (c.1786_1787ins?), causing a frameshift at codon 595 (p.Ser595fs). The exact size and sequence of the insertion cannot be determined by the current assay. However, the insertion is expected to result in an absent or disrupted protein product. This variant is not present in population databases (gnomAD no frequency). This variant has not been reported in the literature in individuals affected with SLC4A1-related conditions. ClinVar contains an entry for this variant (Variation ID: 2027697). Retrotransposon insertions including LINE1 (L1), Alu, and SVA (SINE-VNTR-Alu) have been reported to be disease-causing through disruption of either a coding region or splice site (PMID: 19763152, 20307669, 22406018) and loss-of-function variants in SLC4A1 are known to be pathogenic (PMID: 8943874, 10926824, 23255290). For these reasons, this variant has been classified as Pathogenic.

Literature cited by the submitters: PubMed 19763152; PubMed 20307669; PubMed 22406018; PubMed 8943874; PubMed 10926824; PubMed 23255290.